The following is an entry in ClinVar:

ClinVar aggregate classification (germline): Uncertain significance. Review status: criteria provided, multiple submitters, no conflicts (2 of 4 stars). 2 submissions from 2 submitters: Uncertain significance (2). Last evaluated 2024-04-19.

Conditions:
Stüve-Wiedemann syndrome 1. Also called: STUVE-WIEDEMANN/SCHWARTZ-JAMPEL TYPE 2 SYNDROME. Identifiers: Orphanet 3206, MedGen C5676888, MONDO:0800043, OMIM 601559.

Allele frequency attached by ClinVar (database versions not stated): TOPMed below 0.00001; gnomAD 0.00001; gnomAD exomes 0.00002.
gnomAD v4.1: 23 of 1,611,590 alleles (0.0014%); highest among the groups gnomAD compares: Non-Finnish European, 0.002%; no homozygotes.

Submissions (2):

Fulgent Genetics
Classification: Uncertain significance for Stüve-Wiedemann syndrome 1. Last evaluated: 2024-04-19. Review status: criteria provided, single submitter. Criteria: ACMG Guidelines, 2015. Collection method: clinical testing. Allele origin: germline.

Labcorp Genetics (formerly Invitae), Labcorp
Classification: Uncertain significance. Last evaluated: 2022-07-05. Review status: criteria provided, single submitter. Criteria: Invitae Variant Classification Sherloc (09022015). Collection method: clinical testing. Allele origin: germline.
Comment: This sequence change replaces lysine, which is basic and polar, with arginine, which is basic and polar, at codon 498 of the LIFR protein (p.Lys498Arg). This variant is present in population databases (rs771697399, gnomAD 0.0009%). This variant has not been reported in the literature in individuals affected with LIFR-related conditions. ClinVar contains an entry for this variant (Variation ID: 1505934). Algorithms developed to predict the effect of missense changes on protein structure and function output the following: SIFT: "Tolerated"; PolyPhen-2: "Benign"; Align-GVGD: "Class C0". The arginine amino acid residue is found in multiple mammalian species, which suggests that this missense change does not adversely affect protein function. Algorithms developed to predict the effect of sequence changes on RNA splicing suggest that this variant may create or strengthen a splice site. In summary, the available evidence is currently insufficient to determine the role of this variant in disease. Therefore, it has been classified as a Variant of Uncertain Significance.

NM_001127671.2(LIFR):c.1493A>G (p.Lys498Arg)

Gene: LIFR (LIF receptor subunit alpha; minus strand). Cytogenetic location: 5p13.1.
Variant type: single nucleotide variant.
Coding change: c.1493A>G on transcript NM_001127671.2 (MANE Select); coding-DNA position 1493, A replaced by G.
Protein change: p.Lys498Arg; replaces lysine 498 with arginine.
Molecular consequence: missense variant.
Genome position (GRCh38, 1-based): chr5:38,502,744, T>C on the plus strand (A>G on the coding strand, the complement: LIFR is on the minus strand). VCF-style: chr5-38502744-T-C. GRCh37 (hg19) VCF-style: chr5-38502846-T-C.
Other names: c.1493A>G, p.Lys498Arg (NM_001364297.2, NM_001364298.2, NM_002310.6); short protein forms K498R.
Identifiers: ClinVar variation 1505934 (VCV001505934.4), dbSNP rs771697399, ClinGen allele CA3242926.